The following is an entry in ClinVar:

ClinVar aggregate classification (germline): Uncertain significance (1 of 4 stars; one submission).

Conditions:
6-Pyruvoyl-tetrahydrobiopterin synthase deficiency. Also called: HYPERPHENYLALANINEMIA, TETRAHYDROBIOPTERIN-DEFICIENT, DUE TO PTS DEFICIENCY; PTS-Related Tetrahydrobiopterin Deficiency; 6-Pyruvoyltetrahydropterin Synthase Deficiency; BH4-deficient hyperphenylalaninemia A; PTS DEFICIENCY; Hyperphenylalanemia, BH4-deficient, A. Identifiers: Orphanet 13, Orphanet 238583, MedGen C0878676, MONDO:0009863, OMIM 261640.

Submission:

Labcorp Genetics (formerly Invitae), Labcorp
Classification: Uncertain significance for 6-Pyruvoyl-tetrahydrobiopterin synthase deficiency. Last evaluated: 2016-11-10. Review status: criteria provided, single submitter. Criteria: Invitae Variant Classification Sherloc (09022015). Collection method: clinical testing. Allele origin: germline.
Comment: Algorithms developed to predict the effect of missense changes on protein structure and function (SIFT, PolyPhen-2, Align-GVGD) all suggest that this variant is likely to be disruptive, but these predictions have not been confirmed by published functional studies. This variant is not present in population databases (ExAC no frequency) and has not been reported in the literature in individuals with a PTS-related disease. This sequence change replaces lysine with asparagine at codon 143 of the PTS protein (p.Lys143Asn). The lysine residue is moderately conserved and there is a moderate physicochemical difference between lysine and asparagine. In summary, this variant is a novel missense change with uncertain impact on protein function. It has been classified as a Variant of Uncertain Significance.

NM_000317.3(PTS):c.429A>C (p.Lys143Asn)

Gene: PTS (6-pyruvoyltetrahydropterin synthase; plus strand). Cytogenetic location: 11q23.1.
Variant type: single nucleotide variant.
Coding change: c.429A>C on transcript NM_000317.3 (MANE Select); coding-DNA position 429, A replaced by C.
Protein change: p.Lys143Asn; replaces lysine 143 with asparagine.
Molecular consequence: missense variant.
Genome position (GRCh38, 1-based): chr11:112,233,546, A>C. VCF-style: chr11-112233546-A-C. GRCh37 (hg19) VCF-style: chr11-112104269-A-C.
Other names: short protein forms K143N.
Identifiers: ClinVar variation 463152 (VCV000463152.9), dbSNP rs1555198513, ClinGen allele CA382628190.